The following is an entry in ClinVar:

ClinVar aggregate classification (germline): Uncertain significance (1 of 4 stars; one submission).

Allele frequency attached by ClinVar (database versions not stated): gnomAD exomes 0.00001; TOPMed 0.00001; gnomAD 0.00002.
gnomAD v4.1: 20 of 1,597,728 alleles (0.0013%); highest among the groups gnomAD compares: Non-Finnish European, 0.0016%; no homozygotes.

Submission:

Ambry Genetics
Classification: Uncertain significance. Last evaluated: 2023-07-20. Review status: criteria provided, single submitter. Criteria: Ambry Variant Classification Scheme 2023. Collection method: clinical testing. Allele origin: germline.
Comment: The p.D208N variant (also known as c.622G>A), located in coding exon 4 of the POLQ gene, results from a G to A substitution at nucleotide position 622. The aspartic acid at codon 208 is replaced by asparagine, an amino acid with highly similar properties. This amino acid position is conserved. In addition, this alteration is predicted to be tolerated by in silico analysis. Since supporting evidence is limited at this time, the clinical significance of this alteration remains unclear.

NM_199420.4(POLQ):c.622G>A (p.Asp208Asn)

Gene: POLQ (DNA polymerase theta; minus strand). Cytogenetic location: 3q13.33.
Variant type: single nucleotide variant.
Coding change: c.622G>A on transcript NM_199420.4 (MANE Select); coding-DNA position 622, G replaced by A.
Protein change: p.Asp208Asn; replaces aspartic acid 208 with asparagine.
Molecular consequence: missense variant.
Genome position (GRCh38, 1-based): chr3:121,539,442, C>T on the plus strand (G>A on the coding strand, the complement: POLQ is on the minus strand). VCF-style: chr3-121539442-C-T. GRCh37 (hg19) VCF-style: chr3-121258289-C-T.
Other names: short protein forms D208N.
Identifiers: ClinVar variation 1752330 (VCV001752330.3), dbSNP rs1435105893, ClinGen allele CA354090991.